The following is an entry in ClinVar:

ClinVar aggregate classification (germline): Benign. Review status: criteria provided, multiple submitters, no conflicts (2 of 4 stars). 3 submissions from 3 submitters: Benign (3). Last evaluated 2023-06-01.

Allele frequency attached by ClinVar (database versions not stated): ESP Exome Variant Server 0.00055; gnomAD 0.00063 and 0.00086; TOPMed 0.00083; 1000 Genomes Project 30x 0.00094; 1000 Genomes Project 0.00120; gnomAD exomes 0.00258; ExAC 0.00277.

Submissions (3):

CeGaT Center for Human Genetics Tuebingen
Classification: Benign. Last evaluated: 2023-06-01. Review status: criteria provided, single submitter. Criteria: CeGaT Center For Human Genetics Tuebingen Variant Classification Criteria Version 2. Collection method: clinical testing. Allele origin: germline. Affected: yes. Observed: 1 variant allele.
Comment: CSMD1: BS1, BS2

Labcorp Genetics (formerly Invitae), Labcorp
Classification: Benign. Last evaluated: 2019-12-31. Review status: criteria provided, single submitter. Criteria: Invitae Variant Classification Sherloc (09022015). Collection method: clinical testing. Allele origin: germline.

Breakthrough Genomics
Classification: Benign. Review status: criteria provided, single submitter. Criteria: ACMG Guidelines, 2015. Collection method: not provided. Allele origin: germline. Inheritance: Unknown mechanism. Affected: yes.

NM_033225.6(CSMD1):c.563G>A (p.Ser188Asn)

Gene: CSMD1 (CUB and Sushi multiple domains 1; minus strand). Cytogenetic location: 8p23.2.
Variant type: single nucleotide variant.
Coding change: c.563G>A on transcript NM_033225.6 (MANE Select); coding-DNA position 563, G replaced by A.
Protein change: p.Ser188Asn; replaces serine 188 with asparagine.
Molecular consequence: missense variant.
Genome position (GRCh38, 1-based): chr8:4,031,952, C>T on the plus strand (G>A on the coding strand, the complement: CSMD1 is on the minus strand). VCF-style: chr8-4031952-C-T. GRCh37 (hg19) VCF-style: chr8-3889474-C-T.
Other names: short protein forms S188N.
Identifiers: ClinVar variation 731697 (VCV000731697.29), dbSNP rs36042022, ClinGen allele CA4609596.